The following is an entry in ClinVar:

ClinVar aggregate classification (germline): Likely benign. Review status: criteria provided, multiple submitters, no conflicts (2 of 4 stars). 2 submissions from 2 submitters: Likely benign (2). Last evaluated 2025-02-26.

Conditions:
DLG4-related disorder. Also called: DLG4-related condition.
Inborn genetic diseases. Identifiers: MedGen C0950123, MeSH D030342.

Allele frequency attached by ClinVar (database versions not stated): gnomAD 0.00003; TOPMed 0.00003; ExAC 0.00009; ESP Exome Variant Server 0.00016.
gnomAD v4.1: 110 of 1,582,790 alleles (0.0069%); highest among the groups gnomAD compares: Non-Finnish European, 0.0083%; no homozygotes.

Submissions (2):

PreventionGenetics, part of Exact Sciences
Classification: Likely benign for DLG4-related condition. Last evaluated: 2025-02-26. Review status: criteria provided, single submitter. Criteria: ACMG Guidelines, 2015. Collection method: clinical testing. Allele origin: germline.
Comment: This variant is classified as likely benign based on ACMG/AMP sequence variant interpretation guidelines (Richards et al. 2015 PMID: 25741868, with internal and published modifications).

Ambry Genetics
Classification: Likely benign for Inborn genetic diseases. Last evaluated: 2022-03-07. Review status: criteria provided, single submitter. Criteria: Ambry Variant Classification Scheme 2023. Collection method: clinical testing. Allele origin: germline.

NM_001321075.3(DLG4):c.97-6A>T

Gene: DLG4 (discs large MAGUK scaffold protein 4; minus strand). Cytogenetic location: 17p13.1.
Variant type: single nucleotide variant.
Coding change: c.97-6A>T on transcript NM_001321075.3 (MANE Select); 6 bases into the intron before coding-DNA position 97, A replaced by T.
Molecular consequence: intron variant.
Genome position (GRCh38, 1-based): chr17:7,204,258, T>A on the plus strand (A>T on the coding strand, the complement: DLG4 is on the minus strand). VCF-style: chr17-7204258-T-A. GRCh37 (hg19) VCF-style: chr17-7107577-T-A.
Other names: c.226-6A>T (NM_001365.5, NM_001321074.1, NM_001365.4); c.97-6A>T (NM_001128827.4); c.25-6A>T (NM_001369566.3); c.-75-6A>T (NM_001321077.3); c.-84-6A>T (NM_001321076.3).
Identifiers: ClinVar variation 2231141 (VCV002231141.3), dbSNP rs374480261, ClinGen allele CA8337291.